The following is an entry in ClinVar:

ClinVar aggregate classification (germline): Likely benign (1 of 4 stars; one submission).

Conditions:
PKD1-related disorder. Also called: PKD1-related condition.

gnomAD v4.1: 6 of 1,592,008 alleles (0.00038%); highest among the groups gnomAD compares: South Asian, 0.0022%; no homozygotes.

Submission:

PreventionGenetics, part of Exact Sciences
Classification: Likely benign for PKD1-related condition. Last evaluated: 2025-11-22. Review status: criteria provided, single submitter. Criteria: ACMG Guidelines, 2015. Collection method: clinical testing. Allele origin: germline.
Comment: This variant is classified as likely benign based on ACMG/AMP sequence variant interpretation guidelines (Richards et al. 2015 PMID: 25741868, with internal and published modifications).

NM_001009944.3(PKD1):c.5817C>T (p.Ser1939=)

Gene: PKD1 (polycystin 1, transient receptor potential channel interacting; minus strand). Cytogenetic location: 16p13.3.
Variant type: single nucleotide variant.
Coding change: c.5817C>T on transcript NM_001009944.3 (MANE Select); coding-DNA position 5817, C replaced by T.
Protein change: p.Ser1939=; no amino-acid change (serine 1939 retained).
Molecular consequence: synonymous variant.
Genome position (GRCh38, 1-based): chr16:2,109,350, G>A on the plus strand (C>T on the coding strand, the complement: PKD1 is on the minus strand). VCF-style: chr16-2109350-G-A. GRCh37 (hg19) VCF-style: chr16-2159351-G-A.
Other names: c.5817C>T, p.Ser1939= (NM_000296.4).
Identifiers: ClinVar variation 4982686 (VCV004982686.1).